The following is an entry in ClinVar:

NM_031229.4(RBCK1):c.1480C>T (p.Arg494Cys)

Gene: RBCK1 (RANBP2-type and C3HC4-type zinc finger containing 1; plus strand). Cytogenetic location: 20p13.
Variant type: single nucleotide variant.
Coding change: c.1480C>T on transcript NM_031229.4 (MANE Select); coding-DNA position 1480, C replaced by T.
Protein change: p.Arg494Cys; replaces arginine 494 with cysteine.
Molecular consequence: missense variant. On other transcripts: non-coding transcript variant (1).
Genome position (GRCh38, 1-based): chr20:430,377, C>T. VCF-style: chr20-430377-C-T. GRCh37 (hg19) VCF-style: chr20-411021-C-T.
Other names: c.970C>T, p.Arg324Cys (NM_001323956.2, NM_001323958.2); c.1354C>T, p.Arg452Cys (NM_006462.6); short protein forms R452C, R324C, R494C.
Identifiers: ClinVar variation 945295 (VCV000945295.4), dbSNP rs749184826, ClinGen allele CA9723406.
Genomic context (GRCh38, chr20:430,377, plus strand): 5'-CTGACATTCTCTTCTCTTCCTCCCATCCTCTAGGGCCCAGGAGACACCAGCGGGGGCTGC[C>T]GCTGCAGGGTAAATGGGATTCCTTGCCACCCAAGCTGTCAGAACTGCCACTGAGCTAAAG-3'
Protein context (NP_112506.2, residues 484-504): GGPGDTSGGC[Arg494Cys]CRVNGIPCHP

ClinVar aggregate classification (germline): Uncertain significance (1 of 4 stars; one submission).

Conditions:
Polyglucosan body myopathy type 1 (PGBM1). Also called: Polyglucosan body myopathy 1 with or without immunodeficiency; POLYGLUCOSAN BODY MYOPATHY WITHOUT IMMUNODEFICIENCY. Identifiers: Orphanet 329173, Orphanet 397937, MedGen C4014605, MONDO:0014389, OMIM 615895.

Allele frequency attached by ClinVar (database versions not stated): TOPMed 0.00001; ExAC 0.00002; gnomAD exomes 0.00003 and 0.00004.

Submission:

Labcorp Genetics (formerly Invitae), Labcorp
Classification: Uncertain significance for Polyglucosan body myopathy type 1. Last evaluated: 2022-10-05. Review status: criteria provided, single submitter. Criteria: Invitae Variant Classification Sherloc (09022015). Collection method: clinical testing. Allele origin: germline.
Comment: This sequence change replaces arginine, which is basic and polar, with cysteine, which is neutral and slightly polar, at codon 494 of the RBCK1 protein (p.Arg494Cys). This variant is present in population databases (rs749184826, gnomAD 0.01%). This variant has not been reported in the literature in individuals affected with RBCK1-related conditions. ClinVar contains an entry for this variant (Variation ID: 945295). Advanced modeling of protein sequence and biophysical properties (such as structural, functional, and spatial information, amino acid conservation, physicochemical variation, residue mobility, and thermodynamic stability) has been performed at Invitae for this missense variant, however the output from this modeling did not meet the statistical confidence thresholds required to predict the impact of this variant on RBCK1 protein function. In summary, the available evidence is currently insufficient to determine the role of this variant in disease. Therefore, it has been classified as a Variant of Uncertain Significance.